The following is an entry in ClinVar:

ClinVar aggregate classification (germline): Likely pathogenic (1 of 4 stars; one submission).

Submission:

Labcorp Genetics (formerly Invitae), Labcorp
Classification: Likely pathogenic. Last evaluated: 2023-03-09. Review status: criteria provided, single submitter. Criteria: Invitae Variant Classification Sherloc (09022015). Collection method: clinical testing. Allele origin: germline.
Comment: This sequence change affects a donor splice site in intron 30 of the OTOF gene. It is expected to disrupt RNA splicing. Variants that disrupt the donor or acceptor splice site typically lead to a loss of protein function (PMID: 16199547), and loss-of-function variants in OTOF are known to be pathogenic (PMID: 18381613, 19250381, 22575033). This variant is present in population databases (no rsID available, gnomAD 0.003%). This variant has not been reported in the literature in individuals affected with OTOF-related conditions. Algorithms developed to predict the effect of sequence changes on RNA splicing suggest that this variant may disrupt the consensus splice site. In summary, the currently available evidence indicates that the variant is pathogenic, but additional data are needed to prove that conclusively. Therefore, this variant has been classified as Likely Pathogenic.

Literature cited by the submitters: PubMed 16199547; PubMed 18381613; PubMed 19250381; PubMed 22575033.

NM_194248.3(OTOF):c.3864+2T>C

Gene: OTOF (otoferlin; minus strand). Cytogenetic location: 2p23.3.
Variant type: single nucleotide variant.
Coding change: c.3864+2T>C on transcript NM_194248.3 (MANE Select); the canonical splice donor site of the intron after coding-DNA position 3864, T replaced by C.
Molecular consequence: splice donor variant.
Genome position (GRCh38, 1-based): chr2:26,472,517, A>G on the plus strand (T>C on the coding strand, the complement: OTOF is on the minus strand). VCF-style: chr2-26472517-A-G. GRCh37 (hg19) VCF-style: chr2-26695385-A-G.
Other names: c.3864+2T>C (NM_001287489.2); c.1563+2T>C (NM_194323.3, NM_004802.4); c.1794+2T>C (NM_194322.3).
Identifiers: ClinVar variation 2878572 (VCV002878572.3), dbSNP rs750986210, ClinGen allele CA346102451.